The following continues an entry in ClinVar:

NM_000441.2(SLC26A4):c.716T>A (p.Val239Asp)

Gene: SLC26A4. ClinVar aggregate classification (germline): Pathogenic. Pathogenic (26).

Submissions 13 to 26 of 35:

Genomic Medicine Center of Excellence, King Faisal Specialist Hospital and Research Centre
Classification: Pathogenic for Enlarged vestibular aqueduct, digenic. Last evaluated: 2024-03-14. Review status: criteria provided, single submitter. Criteria: ACMG Guidelines, 2015. Collection method: clinical testing. Allele origin: germline.

GeneDx
Classification: Pathogenic. Last evaluated: 2023-10-12. Review status: criteria provided, single submitter. Criteria: GeneDx Variant Classification Process June 2021. Collection method: clinical testing. Allele origin: germline. Affected: yes.
Comment: Common variant accounting for approximately 30% of the mutant alleles of SLC26A4; suggested to be a founder variant in the Pakistani population (Anwar et al., 2009); Published functional studies demonstrate that this variant reduces anion transport activity, affects protein localization and overall severely impairs normal protein function (Park et al., 2003; Dossena et al., 2011); In silico analysis supports that this missense variant has a deleterious effect on protein structure/function; This variant is associated with the following publications: (PMID: 27771369, 23965030, 33879512, 25394566, 16460646, 12676893, 12974744, 23336812, 30077349, 23504402, 31389194, 30303587, 23770805, 31599023, 32417962, 34171171, 33231815, 32747562, 33199029, 22116360, 19287372)

Neuberg Centre For Genomic Medicine, NCGM
Classification: Pathogenic for Autosomal recessive nonsyndromic hearing loss 4. Last evaluated: 2023-07-22. Review status: criteria provided, single submitter. Criteria: ACMG Guidelines, 2015. Collection method: clinical testing. Allele origin: germline. Inheritance: Autosomal recessive inheritance. Affected: yes.
Comment: The observed missense variant c.716T>Ap.Val239Asp in SLC26A4 gene has been reported previously in individuals with SLC26A4-related conditions. Experimental studies have shown that this missense change affects SLC26A4 function Soh LM, et al., 2015; Shahzad M, et al., 2013; Dossena S, et al., 2011. This variant is reported with the allele frequency 0.02% in the gnomAD Exomes. This variant has been reported to the ClinVar database as Pathogenic/Likely Pathogenic. The amino acid Val at position 239 is changed to a Asp changing protein sequence and it might alter its composition and physico-chemical properties. Multiple lines of computational evidence Polyphen - Possibly damaging, SIFT – Damaging and MutationTaster - Disease causing predict a damaging effect on protein structure and function for this variant. The residue is conserved by GERP++ and PhyloP across 100 vertebrates. For these reasons, this variant has been classified as Pathogenic.

Revvity Omics, Revvity
Classification: Pathogenic. Last evaluated: 2023-06-16. Review status: criteria provided, single submitter. Criteria: ACMG Guidelines, 2015. Collection method: clinical testing. Allele origin: germline.

Laboratory for Molecular Medicine, Mass General Brigham Personalized Medicine
Classification: Pathogenic for Rare genetic deafness. Last evaluated: 2022-06-30. Review status: criteria provided, single submitter. Criteria: ACMG Guidelines, 2015. Collection method: clinical testing. Allele origin: germline.
Comment: The p.Val239Asp variant in SLC26A4 has been reported in >20 homozygous or compound heterozygous individuals with hearing loss or Pendred syndrome and segregated with disease in at least 10 affected individuals from multiple families (Tekin 2003 PMID: 12974744, Park 2003 PMID: 12676893, Walsh 2005 PMID: 16460646, Anwar 2009 PMID: 19287372, Soh 2015 PMID: 25394566). It has also been identified in 0.14% (7/4828) of South Asian chromosomes by gnomAD v. 3, however this variant is thought to be a founder mutation in this population (Anwar 2009 PMID: 19287372). This variant has also been reported in ClinVar (Variation ID 43566). Computational prediction tools and conservation analyses suggest that this variant may impact the protein, though this information is not predictive enough to determine pathogenicity. In vitro functional studies support an impact on protein function and have shown that protein trafficking is affected and iodide trasport activity is reduced (Walsh 2005 PMID: 16460646, Dossena 2011 PMID: 22116360, Wassano 2020 PMID: 19287372). In summary, this variant meets criteria to be classified as pathogenic for autosomal recessive Pendred Syndrome. ACMG/AMP Criteria applied: PM3_Strong, PP1_Strong, PS3_Moderate, PP3.

MGZ Medical Genetics Center
Classification: Pathogenic for Pendred syndrome. Last evaluated: 2022-01-24. Review status: criteria provided, single submitter. Criteria: ACMG Guidelines, 2015. Collection method: clinical testing. Allele origin: germline. Affected: yes. Observed: 1 variant allele.
Comment: ACMG criteria applied: PS4, PM3_STR, PS3_SUP, PM2_SUP, PP3

Greenwood Genetic Center Diagnostic Laboratories, Greenwood Genetic Center
Classification: Pathogenic for Autosomal recessive nonsyndromic hearing loss 4; Pendred syndrome. Last evaluated: 2021-12-28. Review status: criteria provided, single submitter. Criteria: ACMG Guidelines, 2015. Collection method: clinical testing. Allele origin: germline. Affected: yes.
Comment: PS3, PM3_strong, PP1, PP3, PM1

UAEU Genomics Laboratory, United Arab Emirates University
Classification: Pathogenic for Autosomal recessive nonsyndromic hearing loss 4. Last evaluated: 2021-11-22. Review status: criteria provided, single submitter. Criteria: ACMG Guidelines, 2015. Collection method: research. Allele origin: germline. Affected: yes. Observed: 3 variant alleles.
Comment: The missense variant NM_000441.2(SLC26A4):c.716T>A (p.Val239Asp) has been observed in several individuals and families affected with SLC26A4-related conditions (PMID: 12974744, 16460646, 23770805, 25394566). The Val239Asp is a common variant in the SLC26A4 gene that is associated with Pendred syndrome in the Pakistani population (PMID:19287372). This variant is observed in 51/30616 (0.1666%) alleles from individuals of gnomAD South Asian background in the gnomAD dataset (Genome Aggregation Database et al., 2020), but was not seen in the homozygous state. Computational prediction tools and conservational analysis predict that the p.Val239Asp missense change has a damaging effect on the protein structure or function. Experimental studies have shown that this missense change has a deleterious effect on protein function and localization (PMID: 16460646, 22116360) For these reasons, this variant has been classified as Pathogenic.

Genome-Nilou Lab
Classification: Pathogenic for Pendred syndrome. Last evaluated: 2021-09-05. Review status: criteria provided, single submitter. Criteria: ACMG Guidelines, 2015. Collection method: clinical testing. Allele origin: germline. Affected: no.

King Laboratory, University of Washington
Classification: Pathogenic for Autosomal recessive nonsyndromic hearing loss 4. Last evaluated: 2020-08-01. Review status: criteria provided, single submitter. Criteria: Abu Rayyan A et al. (Proc Natl Acad Sci U S A 2020). Collection method: research. Allele origin: germline. Affected: yes.
Comment: SLC26A4 c.716T>A, p.V239D has been shown to decrease SLC26A4 ion transport activity (PMID: 22116360). The variant is homozygous in 10 Palestinian children from a single kindred with pre-lingual hearing loss (Abu Rayyan 2020). It is present in 1 of 1300 Palestinian controls, as a heterozygote, and present in 51/251468 alleles on gnomAD, all heterozygotes.

Genetics and Genomic Medicine Centre, NeuroGen Healthcare, NeuroGen Healthcare
Classification: Pathogenic for Pendred syndrome. Last evaluated: 2020-01-15. Review status: criteria provided, single submitter. Criteria: Submitter's publication. Collection method: clinical testing. Allele origin: unknown. Affected: no.

Women's Health and Genetics/Laboratory Corporation of America, LabCorp
Classification: Pathogenic for Pendred syndrome. Last evaluated: 2020-01-14. Review status: criteria provided, single submitter. Criteria: LabCorp Variant Classification Summary - May 2015. Collection method: clinical testing. Allele origin: germline.
Comment: Variant summary: SLC26A4 c.716T>A (p.Val239Asp) results in a non-conservative amino acid change located in the SLC26A/SulP transporter domain of the encoded protein sequence. Five of five in-silico tools predict a damaging effect of the variant on protein function. The variant allele was found at a frequency of 0.0002 in 251468 control chromosomes. This frequency is not significantly higher than expected for a pathogenic variant in SLC26A4 causing Pendred syndrome (0.0002 vs 0.0035). c.716T>A has been reported in the literature in numerous individuals affected with Pendred syndrome (eg. Khan_2013, Dossena_2011). These data indicate that the variant is very likely to be associated with disease. Experimental evidence reports the variant to lead to improper intracellular localization and retainment in the endoplasmic retuclum, and impaired protein function (Walsh_2006, Dossena_2011). Four clinical diagnostic laboratories have submitted clinical-significance assessments for this variant to ClinVar after 2014 without evidence for independent evaluation. All laboratories classified the variant as pathogenic/likely pathogenic. Based on the evidence outlined above, the variant was classified as pathogenic.

Eurofins Ntd Llc (ga)
Classification: Pathogenic. Last evaluated: 2016-07-15. Review status: criteria provided, single submitter. Criteria: EGL Classification Definitions 2015. Collection method: clinical testing. Allele origin: germline. Observed: 4 variant alleles, 4 heterozygotes.

Neuberg Centre For Genomic Medicine, NCGM
Classification: Pathogenic for Pendred syndrome. Review status: criteria provided, single submitter. Criteria: ACMG Guidelines, 2015. Collection method: clinical testing. Allele origin: germline. Inheritance: Autosomal recessive inheritance. Affected: yes.
Comment: The missense variant c.716T>A (p.Val239Asp) in SLC26A4 gene has been observed in several individuals and families affected with SLC26A4-related conditions (Tekin M et.al.,2003). Experimental evidence reports the variant to lead to improper intracellular localization and retainment in the endoplasmic retuclum, and impaired protein function (Walsh T et.al.,2006). This variant has been reported to the ClinVar database as Pathogenic. The p.Val239Asp variant is novel (not in any individuals) in 1000 Genomes and allele frequency of 0.02028 % is reported in gnomAD. The amino acid Val at position 239 is changed to a Asp changing protein sequence and it might alter its composition and physico-chemical properties. The variant is predicted to be damaging by both SIFT and PolyPhen2. The residue is conserved across species. The amino acid change p.Val239Asp in SLC26A4 is predicted as conserved by GERP++ and PhyloP across 100 vertebrates. For these reasons, this variant has been classified as Pathogenic.